The following is an entry in ClinVar:

NM_000026.4(ADSL):c.42C>T (p.Arg14=)

Gene: ADSL (adenylosuccinate lyase; plus strand). Cytogenetic location: 22q13.1.
Variant type: single nucleotide variant.
Coding change: c.42C>T on transcript NM_000026.4 (MANE Select); coding-DNA position 42, C replaced by T.
Protein change: p.Arg14=; no amino-acid change (arginine 14 retained).
Molecular consequence: synonymous variant. On other transcripts: 5 prime UTR variant (1), non-coding transcript variant (1).
Genome position (GRCh38, 1-based): chr22:40,346,600, C>T. VCF-style: chr22-40346600-C-T. GRCh37 (hg19) VCF-style: chr22-40742604-C-T.
Other names: c.42C>T, p.Arg14= (NM_001123378.3, NM_001363840.3); c.-96C>T (NM_001317923.2).
Identifiers: ClinVar variation 511083 (VCV000511083.4), dbSNP rs768010749, ClinGen allele CA10247596.

ClinVar aggregate classification (germline): Likely benign. Review status: criteria provided, multiple submitters, no conflicts (2 of 4 stars). 2 submissions from 2 submitters: Likely benign (2). Last evaluated 2023-12-11.

Conditions:
Adenylosuccinate lyase deficiency (ADSLD). Also called: ADSL DEFICIENCY. Identifiers: Orphanet 46, MedGen C0268126, MONDO:0007068, OMIM 103050.

Allele frequency attached by ClinVar (database versions not stated): gnomAD exomes below 0.00001; ExAC 0.00001; gnomAD 0.00001.
gnomAD v4.1: 5 of 1,608,218 alleles (0.00031%); highest among the groups gnomAD compares: African/African-American, 0.0013%; no homozygotes.

Submissions (2):

Labcorp Genetics (formerly Invitae), Labcorp
Classification: Likely benign for Adenylosuccinate lyase deficiency. Last evaluated: 2023-12-11. Review status: criteria provided, single submitter. Criteria: Invitae Variant Classification Sherloc (09022015). Collection method: clinical testing. Allele origin: germline.

GeneDx
Classification: Likely benign. Last evaluated: 2017-07-28. Review status: criteria provided, single submitter. Criteria: GeneDx Variant Classification (06012015). Collection method: clinical testing. Allele origin: germline. Affected: yes.
Comment: This variant is considered likely benign or benign based on one or more of the following criteria: it is a conservative change, it occurs at a poorly conserved position in the protein, it is predicted to be benign by multiple in silico algorithms, and/or has population frequency not consistent with disease.